The following is an entry in ClinVar:

ClinVar aggregate classification (germline): Pathogenic (1 of 4 stars; one submission).

Conditions:
DICER1-related tumor predisposition. Also called: DICER1 syndrome; DICER1-related pleuropulmonary blastoma cancer predisposition syndrome. Identifiers: Orphanet 284343, MedGen C3839822, MONDO:0100216.

Submission:

Labcorp Genetics (formerly Invitae), Labcorp
Classification: Pathogenic for DICER1-related tumor predisposition. Last evaluated: 2021-05-19. Review status: criteria provided, single submitter. Criteria: Invitae Variant Classification Sherloc (09022015). Collection method: clinical testing. Allele origin: germline.
Comment: For these reasons, this variant has been classified as Pathogenic. This variant has not been reported in the literature in individuals with DICER1-related conditions. This variant is not present in population databases (ExAC no frequency). This sequence change creates a premature translational stop signal (p.Ser1084Leufs*7) in the DICER1 gene. It is expected to result in an absent or disrupted protein product. Loss-of-function variants in DICER1 are known to be pathogenic (PMID: 19556464, 21266384).

Literature cited by the submitters: PubMed 19556464; PubMed 21266384.

NM_177438.3(DICER1):c.3249_3250insC (p.Ser1084fs)

Gene: DICER1 (dicer 1, ribonuclease III; minus strand). Cytogenetic location: 14q32.13.
Variant type: Insertion.
Coding change: c.3249_3250insC on transcript NM_177438.3 (MANE Select); coding-DNA positions 3249 to 3250, C inserted.
Protein change: p.Ser1084fs; shifts the reading frame from serine 1084.
Molecular consequence: frameshift variant.
Genome position: GRCh38 VCF-style: chr14-95105090-A-AG. GRCh37 (hg19) VCF-style: chr14-95571427-A-AG.
Other names: c.3249_3250insC, p.Ser1084fs (NM_001195573.1, NM_001271282.3, NM_001291628.2 and 1 more transcripts); short protein forms S1084fs.
Identifiers: ClinVar variation 1456702 (VCV001456702.7), dbSNP rs2139985474, ClinGen allele CA2573150360.
Genomic context (GRCh38, chr14:95,105,090, plus strand): 5'-CTCATGATCTGTGTTCTTTCTGGCTGACTGCACAGGCATACCTAAAATCCGCAGGAAGTG[A>AG]TCTGACTCCCACGCCAGCATCGCTGGCAGTCTGGGCTCTTAGCTCCTCTGCAGTCAAAAG-3'